The following is an entry in ClinVar:

NM_001374385.1(ATP8B1):c.-26+10G>C

Gene: ATP8B1 (ATPase phospholipid transporting 8B1; minus strand). Cytogenetic location: 18q21.31.
Variant type: single nucleotide variant.
Coding change: c.-26+10G>C on transcript NM_001374385.1 (MANE Select); 10 bases into the intron after 26 bases upstream of the start codon, G replaced by C.
Molecular consequence: intron variant.
Genome position (GRCh38, 1-based): chr18:57,802,988, C>G on the plus strand (G>C on the coding strand, the complement: ATP8B1 is on the minus strand). VCF-style: chr18-57802988-C-G. GRCh37 (hg19) VCF-style: chr18-55470220-C-G.
Other names: c.-23+10G>C (NM_005603.6); c.-78+10G>C (NM_001374386.1).
Identifiers: ClinVar variation 391210 (VCV000391210.1), dbSNP rs998138817, ClinGen allele CA16607957.
Genomic context (GRCh38, chr18:57,802,988, plus strand): 5'-CCTGCAGGACACCGCCGGGCCAAGGGGCTTGGGAAGGTCTGGGGGCCCCCGGCGCCGCAC[C>G]CCTGCTTACCTGGCGTTCGCTGGGCCCCGGCTGGGGCATCCGCCTGGTGCGCGCCGCTCG-3'

ClinVar aggregate classification (germline): Likely benign (1 of 4 stars; one submission).

Allele frequency attached by ClinVar (database versions not stated): gnomAD 0.00003 and 0.00004; TOPMed 0.00007.
gnomAD v4.1: 5 of 152,134 alleles (0.0033%); highest among the groups gnomAD compares: East Asian, 0.019%; no homozygotes.

Submission:

GeneDx
Classification: Likely benign. Last evaluated: 2018-03-12. Review status: criteria provided, single submitter. Criteria: GeneDx Variant Classification (06012015). Collection method: clinical testing. Allele origin: germline. Affected: yes.
Comment: This variant is considered likely benign or benign based on one or more of the following criteria: it is a conservative change, it occurs at a poorly conserved position in the protein, it is predicted to be benign by multiple in silico algorithms, and/or has population frequency not consistent with disease.